The following is an entry in ClinVar:

ClinVar aggregate classification (germline): Uncertain significance. Review status: criteria provided, multiple submitters, no conflicts (2 of 4 stars). 2 submissions from 2 submitters: Uncertain significance (2). Last evaluated 2025-10-03.

Conditions:
Hereditary cancer-predisposing syndrome. Also called: Neoplastic Syndromes, Hereditary; Hereditary neoplastic syndrome; Hereditary Cancer Syndrome; Tumor predisposition. Identifiers: Orphanet 140162, MedGen C0027672, MeSH D009386, MONDO:0015356.
Birt-Hogg-Dube syndrome. Also called: Birt Hogg Dubé syndrome. Identifiers: Orphanet 122, MedGen C0346010, MONDO:0800444.

Submissions (2):

Ambry Genetics
Classification: Uncertain significance for Hereditary cancer-predisposing syndrome. Last evaluated: 2025-10-03. Review status: criteria provided, single submitter. Criteria: Ambry Variant Classification Scheme 2023. Collection method: clinical testing. Allele origin: germline.
Comment: The p.A277T variant (also known as c.829G>A), located in coding exon 5 of the FLCN gene, results from a G to A substitution at nucleotide position 829. The alanine at codon 277 is replaced by threonine, an amino acid with similar properties. This amino acid position is highly conserved in available vertebrate species. In addition, the in silico prediction for this alteration is inconclusive. Based on the available evidence, the clinical significance of this variant remains unclear.

Labcorp Genetics (formerly Invitae), Labcorp
Classification: Uncertain significance for Birt-Hogg-Dube syndrome. Last evaluated: 2021-11-17. Review status: criteria provided, single submitter. Criteria: Invitae Variant Classification Sherloc (09022015). Collection method: clinical testing. Allele origin: germline.
Comment: This sequence change replaces alanine, which is neutral and non-polar, with threonine, which is neutral and polar, at codon 277 of the FLCN protein (p.Ala277Thr). This variant is not present in population databases (gnomAD no frequency). This variant has not been reported in the literature in individuals affected with FLCN-related conditions. Algorithms developed to predict the effect of missense changes on protein structure and function (SIFT, PolyPhen-2, Align-GVGD) all suggest that this variant is likely to be tolerated. In summary, the available evidence is currently insufficient to determine the role of this variant in disease. Therefore, it has been classified as a Variant of Uncertain Significance.

NM_144997.7(FLCN):c.829G>A (p.Ala277Thr)

Gene: FLCN (folliculin; minus strand). Cytogenetic location: 17p11.2.
Variant type: single nucleotide variant.
Coding change: c.829G>A on transcript NM_144997.7 (MANE Select); coding-DNA position 829, G replaced by A.
Protein change: p.Ala277Thr; replaces alanine 277 with threonine.
Molecular consequence: missense variant.
Genome position (GRCh38, 1-based): chr17:17,221,579, C>T on the plus strand (G>A on the coding strand, the complement: FLCN is on the minus strand). VCF-style: chr17-17221579-C-T. GRCh37 (hg19) VCF-style: chr17-17124893-C-T.
Other names: c.829G>A (NM_144997.5); c.883G>A, p.Ala295Thr (NM_001353229.2); c.829G>A, p.Ala277Thr (NM_001353230.2, NM_001353231.2, NM_144606.7); short protein forms A295T, A277T.
Identifiers: ClinVar variation 1398292 (VCV001398292.7), dbSNP rs2144932624, ClinGen allele CA398533702.